The following is an entry in ClinVar:

NM_016373.4(WWOX):c.173-6T>G

Gene: WWOX (WW domain containing oxidoreductase; plus strand). Cytogenetic location: 16q23.1.
Variant type: single nucleotide variant.
Coding change: c.173-6T>G on transcript NM_016373.4 (MANE Select); 6 bases into the intron before coding-DNA position 173, T replaced by G.
Molecular consequence: intron variant.
Genome position (GRCh38, 1-based): chr16:78,109,772, T>G. VCF-style: chr16-78109772-T-G. GRCh37 (hg19) VCF-style: chr16-78143669-T-G.
Other names: c.-167-6T>G (NM_001291997.2); c.173-6T>G (NM_130791.5).
Identifiers: ClinVar variation 571630 (VCV000571630.15), dbSNP rs200812468, ClinGen allele CA8183074.

ClinVar aggregate classification (germline): Conflicting classifications of pathogenicity. Review status: criteria provided, conflicting classifications (1 of 4 stars). 7 submissions from 7 submitters: Pathogenic (1); Likely pathogenic (3); Uncertain significance (2). 1 of the submissions does not count toward it. Last evaluated 2026-08-12.

Conditions:
WWOX-related disorder. Also called: WWOX-related condition.
Inborn genetic diseases. Identifiers: MedGen C0950123, MeSH D030342.
Developmental and epileptic encephalopathy, 1 (DEE1). Also called: X-linked infantile spasms; West's syndrome; Tonic spasms with clustering, arrest of psychomotor development and hypsarrhythmia on EEG; X-Linked Infantile Spasm Syndrome; OHTAHARA SYNDROME, X-LINKED; Epileptic encephalopathy, early infantile, 1. Identifiers: MedGen C3463992, MONDO:0010632, OMIM 308350. Disease mechanism: loss of function.
Autosomal recessive spinocerebellar ataxia 12. Also called: SPINOCEREBELLAR ATAXIA WITH MENTAL RETARDATION AND EPILEPSY. Identifiers: Orphanet 284282, MedGen C3280452, MONDO:0013687, OMIM 614322.
Developmental and epileptic encephalopathy, 28 (DEE28). Also called: Epileptic encephalopathy, early infantile, 28. Identifiers: Orphanet 442835, MedGen C4015519, MONDO:0014533, OMIM 616211.

Allele frequency attached by ClinVar (database versions not stated): ExAC 0.00001; gnomAD exomes 0.00003; gnomAD 0.00004; TOPMed 0.00004.
gnomAD v4.1: 46 of 1,614,094 alleles (0.0028%); highest among the groups gnomAD compares: Admixed American, 0.0067%; no homozygotes.

Submissions (7):

Broad Center for Mendelian Genomics, Broad Institute of MIT and Harvard
Classification: Likely pathogenic for Developmental and epileptic encephalopathy, 28. Last evaluated: 2026-08-12. Review status: criteria provided, single submitter. Criteria: ACMG Guidelines, 2015. Collection method: research. Allele origin: germline. Inheritance: Autosomal recessive inheritance. Study: GREGoR Consortium.
Comment: It has also been identified in 0.007% (4/60012) of Admixed American chromosomes by gnomAD (v4.1.0), which is low enough to be consistent with a recessive allele frequency. This variant has also been reported in ClinVar (Variation ID 571630). This variant is located in the 3' splice region. Computational tools predict a splicing impact, though this information is not predictive enough to determine pathogenicity. Data from a high-throughput in vitro splicing assay support this prediction, demonstrating exon 3 skipping, which is predicted to introduce a frameshift leading to an abnormal or absent protein (K. Bujakowska, personal communication). Loss of function of the WWOX gene is an established disease mechanism in autosomal recessive developmental and epileptic encephalopathy. Two additional pathogenic variants predicted to induce the same splicing effect as this variant have been reported in association with developmental and epileptic encephalopathy in ClinVar (Variation ID: 2137848, 2114515). In summary, although additional studies are required to fully establish its clinical significance, this variant meets criteria to be classified as likely pathogenic for autosomal recessive developmental and epileptic encephalopathy. ACMG/AMP Criteria applied: PVS1_moderate, PS1_moderate, PM3, PM2_supporting (Richards 2015).

GeneDx
Classification: Likely pathogenic. Last evaluated: 2025-10-16. Review status: criteria provided, single submitter. Criteria: GeneDx Variant Classification Process June 2021. Collection method: clinical testing. Allele origin: germline. Affected: yes.
Comment: Not observed at significant frequency in large population cohorts (gnomAD); In silico analysis is inconclusive as to whether the variant alters gene splicing. In the absence of RNA/functional studies, the actual effect of this sequence change is unknown.; Has not been previously published as pathogenic or benign to our knowledge; This variant is associated with the following publications: (PMID: 33916893)

Labcorp Genetics (formerly Invitae), Labcorp
Classification: Pathogenic for Developmental and epileptic encephalopathy, 1; Autosomal recessive spinocerebellar ataxia 12. Last evaluated: 2025-09-02. Review status: criteria provided, single submitter. Criteria: Invitae Variant Classification Sherloc (09022015). Collection method: clinical testing. Allele origin: germline.
Comment: This sequence change falls in intron 2 of the WWOX gene. It does not directly change the encoded amino acid sequence of the WWOX protein. This variant is present in population databases (rs200812468, gnomAD 0.006%). This variant has been observed in individual(s) with clinical features of developmental and epileptic encephalopathy (internal data). In at least one individual the data is consistent with being in trans (on the opposite chromosome) from a pathogenic variant. It has also been observed to segregate with disease in related individuals. ClinVar contains an entry for this variant (Variation ID: 571630). Algorithms developed to predict the effect of sequence changes on RNA splicing suggest that this variant may disrupt the consensus splice site. For these reasons, this variant has been classified as Pathogenic.

Blueprint Genetics
Classification: Likely pathogenic for WWOX-related disorders. Last evaluated: 2024-01-15. Review status: criteria provided, single submitter. Criteria: ACMG Guidelines, 2015. Collection method: clinical testing. Allele origin: germline. Affected: yes. Observed: 4 variant alleles.

Ambry Genetics
Classification: Uncertain significance for Inborn genetic diseases. Last evaluated: 2021-12-15. Review status: criteria provided, single submitter. Criteria: Ambry Variant Classification Scheme 2023. Collection method: clinical testing. Allele origin: germline.
Comment: The c.173-6T>G intronic alteration consists of a T to G substitution 6 nucleotides before coding exon 3 in the WWOX gene. Based on insufficient or conflicting evidence, the clinical significance of this alteration remains unclear.

Baylor Genetics
Classification: Uncertain significance for Developmental and epileptic encephalopathy, 28. Last evaluated: 2018-11-15. Review status: criteria provided, single submitter. Criteria: ACMG Guidelines, 2015. Collection method: clinical testing. Allele origin: maternal. Affected: yes.
Comment: This variant was determined to be of uncertain significance according to ACMG Guidelines, 2015 [PMID:25741868].

Centre de Biologie Pathologie Génétique, Centre Hospitalier Universitaire de Lille
Classification: Likely pathogenic for Epileptic encephalopathy, early infantile, 1. Last evaluated: 2019-01-01. Review status: no assertion criteria provided. Collection method: clinical testing. Allele origin: unknown. Affected: yes. Not counted in ClinVar's aggregate classification.